The following is an entry in ClinVar:

ClinVar aggregate classification (germline): Uncertain significance (1 of 4 stars; one submission).

Conditions:
Congenital myasthenic syndrome 8. Also called: Myasthenic syndrome, congenital, 8, with pre- and postsynaptic defects; MYASTHENIC SYNDROME, CONGENITAL, DUE TO AGRIN DEFICIENCY. Identifiers: Orphanet 590, MedGen C3808739, MONDO:0014052, OMIM 615120.

Allele frequency attached by ClinVar (database versions not stated): gnomAD exomes below 0.00001; gnomAD 0.00001; TOPMed 0.00001.
gnomAD v4.1: 2 of 1,607,656 alleles (0.00012%); highest among the groups gnomAD compares: Admixed American, 0.0017%; no homozygotes.

Submission:

Labcorp Genetics (formerly Invitae), Labcorp
Classification: Uncertain significance for Congenital myasthenic syndrome 8. Last evaluated: 2023-10-22. Review status: criteria provided, single submitter. Criteria: Invitae Variant Classification Sherloc (09022015). Collection method: clinical testing. Allele origin: germline.
Comment: This sequence change replaces glycine, which is neutral and non-polar, with serine, which is neutral and polar, at codon 387 of the AGRN protein (p.Gly387Ser). This variant is not present in population databases (gnomAD no frequency). This variant has not been reported in the literature in individuals affected with AGRN-related conditions. ClinVar contains an entry for this variant (Variation ID: 1041749). An algorithm developed to predict the effect of missense changes on protein structure and function (PolyPhen-2) suggests that this variant is likely to be disruptive. In summary, the available evidence is currently insufficient to determine the role of this variant in disease. Therefore, it has been classified as a Variant of Uncertain Significance.

NM_198576.4(AGRN):c.1159G>A (p.Gly387Ser)

Gene: AGRN (agrin; plus strand). Cytogenetic location: 1p36.33.
Variant type: single nucleotide variant.
Coding change: c.1159G>A on transcript NM_198576.4 (MANE Select); coding-DNA position 1159, G replaced by A.
Protein change: p.Gly387Ser; replaces glycine 387 with serine.
Molecular consequence: missense variant.
Genome position (GRCh38, 1-based): chr1:1,041,684, G>A. VCF-style: chr1-1041684-G-A. GRCh37 (hg19) VCF-style: chr1-977064-G-A.
Other names: c.1159G>A, p.Gly387Ser (NM_001305275.2); c.844G>A, p.Gly282Ser (NM_001364727.2); short protein forms G282S, G387S.
Identifiers: ClinVar variation 1041749 (VCV001041749.8), dbSNP rs1644943642, ClinGen allele CA337827392.
Genomic context (GRCh38, chr1:1,041,684, plus strand): 5'-GACTGTGTCATGGGCCGATCGGGGGCCGCCCGGGGTCTCCTCCTGCAGAAAGTGCGCTCC[G>A]GCCAGTGCCAGGGTCGAGGTGAGCGGCTCCCCCGGGGGAGGGCTCCGGCCAGTGCCAGGG-3'
Protein context (NP_940978.2, residues 377-397): RGLLLQKVRS[Gly387Ser]QCQGRDQCPE